The following is an entry in ClinVar:

ClinVar aggregate classification (germline): Likely benign (1 of 4 stars; one submission).

Conditions:
RAI1-related disorder. Also called: RAI1-related condition.

gnomAD v4.1: 26 of 1,613,154 alleles (0.0016%); highest among the groups gnomAD compares: Non-Finnish European, 0.0022%; no homozygotes.

Submission:

PreventionGenetics, part of Exact Sciences
Classification: Likely benign for RAI1-related condition. Last evaluated: 2025-07-30. Review status: criteria provided, single submitter. Criteria: ACMG Guidelines, 2015. Collection method: clinical testing. Allele origin: germline.
Comment: This variant is classified as likely benign based on ACMG/AMP sequence variant interpretation guidelines (Richards et al. 2015 PMID: 25741868, with internal and published modifications).

NM_030665.4(RAI1):c.1386G>A (p.Lys462=)

Gene: RAI1 (retinoic acid induced 1; plus strand). Cytogenetic location: 17p11.2.
Variant type: single nucleotide variant.
Coding change: c.1386G>A on transcript NM_030665.4 (MANE Select); coding-DNA position 1386, G replaced by A.
Protein change: p.Lys462=; no amino-acid change (lysine 462 retained).
Molecular consequence: synonymous variant.
Genome position (GRCh38, 1-based): chr17:17,794,334, G>A. VCF-style: chr17-17794334-G-A. GRCh37 (hg19) VCF-style: chr17-17697648-G-A.
Identifiers: ClinVar variation 4987907 (VCV004987907.1).